The following is an entry in ClinVar:

ClinVar aggregate classification (germline): Conflicting classifications of pathogenicity. Review status: criteria provided, conflicting classifications (1 of 4 stars). 5 submissions from 5 submitters: Uncertain significance (3); Likely benign (1). 1 of the submissions does not count toward it. Last evaluated 2024-08-21.

Conditions:
Leber congenital amaurosis 5 (LCA5). Also called: Amaurosis congenita of Leber, type 5. Identifiers: Orphanet 65, MedGen C1858301, MONDO:0011473, OMIM 604537.

Allele frequency attached by ClinVar (database versions not stated): ExAC 0.00011; gnomAD 0.00011 and 0.00012; TOPMed 0.00011; ESP Exome Variant Server 0.00015; 1000 Genomes Project 30x 0.00016; 1000 Genomes Project 0.00020.
gnomAD v4.1: 109 of 1,613,754 alleles (0.0068%); highest among the groups gnomAD compares: Middle Eastern, 0.066%; 1 homozygote.

Submissions (5):

Blueprint Genetics
Classification: Likely benign. Last evaluated: 2024-08-21. Review status: criteria provided, single submitter. Criteria: ACMG Guidelines, 2015. Collection method: clinical testing. Allele origin: germline.

Labcorp Genetics (formerly Invitae), Labcorp
Classification: Uncertain significance. Last evaluated: 2022-09-13. Review status: criteria provided, single submitter. Criteria: Invitae Variant Classification Sherloc (09022015). Collection method: clinical testing. Allele origin: germline.
Comment: This sequence change replaces arginine, which is basic and polar, with glutamine, which is neutral and polar, at codon 94 of the LCA5 protein (p.Arg94Gln). This variant is present in population databases (rs34531407, gnomAD 0.1%). This variant has not been reported in the literature in individuals affected with LCA5-related conditions. ClinVar contains an entry for this variant (Variation ID: 358105). Advanced modeling of protein sequence and biophysical properties (such as structural, functional, and spatial information, amino acid conservation, physicochemical variation, residue mobility, and thermodynamic stability) performed at Invitae indicates that this missense variant is not expected to disrupt LCA5 protein function. In summary, the available evidence is currently insufficient to determine the role of this variant in disease. Therefore, it has been classified as a Variant of Uncertain Significance.

Illumina Laboratory Services, Illumina
Classification: Uncertain significance for Leber congenital amaurosis 5. Last evaluated: 2018-01-12. Review status: criteria provided, single submitter. Criteria: ICSL Variant Classification Criteria 13 December 2019. Collection method: clinical testing. Allele origin: germline.

Breakthrough Genomics
Classification: Uncertain significance. Review status: criteria provided, single submitter. Criteria: ACMG Guidelines, 2015. Collection method: not provided. Allele origin: germline. Inheritance: Autosomal recessive inheritance. Affected: yes.

Natera, Inc.
Classification: Uncertain significance for Leber congenital amaurosis type 5. Last evaluated: 2019-10-28. Review status: no assertion criteria provided. Collection method: clinical testing. Allele origin: germline. Not counted in ClinVar's aggregate classification.

NM_001122769.3(LCA5):c.281G>A (p.Arg94Gln)

Gene: LCA5 (lebercilin LCA5; minus strand). Cytogenetic location: 6q14.1.
Variant type: single nucleotide variant.
Coding change: c.281G>A on transcript NM_001122769.3 (MANE Select); coding-DNA position 281, G replaced by A.
Protein change: p.Arg94Gln; replaces arginine 94 with glutamine.
Molecular consequence: missense variant.
Genome position (GRCh38, 1-based): chr6:79,513,651, C>T on the plus strand (G>A on the coding strand, the complement: LCA5 is on the minus strand). VCF-style: chr6-79513651-C-T. GRCh37 (hg19) VCF-style: chr6-80223368-C-T.
Other names: c.281G>A, p.Arg94Gln (NM_181714.4); short protein forms R94Q.
Identifiers: ClinVar variation 358105 (VCV000358105.13), dbSNP rs34531407, ClinGen allele CA3901149.